The following is an entry in ClinVar:

NM_001250.6(CD40):c.254C>T (p.Pro85Leu)

Gene: CD40 (CD40 molecule; plus strand). Cytogenetic location: 20q13.12.
Variant type: single nucleotide variant.
Coding change: c.254C>T on transcript NM_001250.6 (MANE Select); coding-DNA position 254, C replaced by T.
Protein change: p.Pro85Leu; replaces proline 85 with leucine.
Molecular consequence: missense variant. On other transcripts: non-coding transcript variant (2).
Genome position (GRCh38, 1-based): chr20:46,122,356, C>T. VCF-style: chr20-46122356-C-T. GRCh37 (hg19) VCF-style: chr20-44750995-C-T.
Other names: c.254C>T, p.Pro85Leu (NM_001302753.2, NM_001322421.2, NM_001322422.2 and 2 more transcripts); short protein forms P85L.
Identifiers: ClinVar variation 2101211 (VCV002101211.4), dbSNP rs2515708647, ClinGen allele CA409204079.

ClinVar aggregate classification (germline): Uncertain significance (1 of 4 stars; one submission).

Submission:

Labcorp Genetics (formerly Invitae), Labcorp
Classification: Uncertain significance. Last evaluated: 2024-10-28. Review status: criteria provided, single submitter. Criteria: Invitae Variant Classification Sherloc (09022015). Collection method: clinical testing. Allele origin: germline.
Comment: This sequence change replaces proline, which is neutral and non-polar, with leucine, which is neutral and non-polar, at codon 85 of the CD40 protein (p.Pro85Leu). This variant is not present in population databases (gnomAD no frequency). This variant has not been reported in the literature in individuals affected with CD40-related conditions. ClinVar contains an entry for this variant (Variation ID: 2101211). An algorithm developed to predict the effect of missense changes on protein structure and function (PolyPhen-2) suggests that this variant is likely to be tolerated. In summary, the available evidence is currently insufficient to determine the role of this variant in disease. Therefore, it has been classified as a Variant of Uncertain Significance.